The following is an entry in ClinVar:

NM_001374353.1(GLI2):c.606C>T (p.Ser202=)

Gene: GLI2 (GLI family zinc finger 2; plus strand). Cytogenetic location: 2q14.2.
Variant type: single nucleotide variant.
Coding change: c.606C>T on transcript NM_001374353.1 (MANE Select); coding-DNA position 606, C replaced by T.
Protein change: p.Ser202=; no amino-acid change (serine 202 retained).
Molecular consequence: synonymous variant.
Genome position (GRCh38, 1-based): chr2:120,955,393, C>T. VCF-style: chr2-120955393-C-T. GRCh37 (hg19) VCF-style: chr2-121712969-C-T.
Other names: c.606C>T, p.Ser202= (NM_001371271.1, NM_005270.5); c.231C>T, p.Ser77= (NM_001374354.1); c.606C>T (NM_005270.4).
Identifiers: ClinVar variation 597599 (VCV000597599.15), dbSNP rs146181686, ClinGen allele CA1851587.

ClinVar aggregate classification (germline): Conflicting classifications of pathogenicity. Review status: criteria provided, conflicting classifications (1 of 4 stars). 4 submissions from 4 submitters: Uncertain significance (1); Likely benign (2). 1 of the submissions does not count toward it. Last evaluated 2026-06-10.

Conditions:
GLI2-related disorder. Also called: GLI2-related condition; GLI2-related disorders.
Holoprosencephaly 9 (HPE9). Also called: HOLOPROSENCEPHALY WITH MICROPHTHALMIA AND FIRST BRANCHIAL ARCH ANOMALIES; PITUITARY ANOMALIES WITH HOLOPROSENCEPHALY-LIKE FEATURES. Identifiers: Orphanet 2162, MedGen C1835819, MONDO:0012563, OMIM 610829.
Postaxial polydactyly-anterior pituitary anomalies-facial dysmorphism syndrome. Also called: Culler-Jones syndrome. Identifiers: Orphanet 420584, MedGen C4014479, MONDO:0014369, OMIM 615849.

Allele frequency attached by ClinVar (database versions not stated): gnomAD 0.00004 and 0.00005; ExAC 0.00005; gnomAD exomes 0.00006; ESP Exome Variant Server 0.00008; TOPMed 0.00010; 1000 Genomes Project 30x 0.00031.
gnomAD v4.1: 52 of 1,610,958 alleles (0.0032%); highest among the groups gnomAD compares: Middle Eastern, 0.099%; no homozygotes.

Submissions (4):

Women's Health and Genetics/Laboratory Corporation of America, LabCorp
Classification: Likely benign. Last evaluated: 2026-06-10. Review status: criteria provided, single submitter. Criteria: LabCorp Variant Classification Summary - May 2015. Collection method: clinical testing. Allele origin: germline.

Labcorp Genetics (formerly Invitae), Labcorp
Classification: Likely benign for Postaxial polydactyly-anterior pituitary anomalies-facial dysmorphism syndrome; Holoprosencephaly 9. Last evaluated: 2023-09-12. Review status: criteria provided, single submitter. Criteria: Invitae Variant Classification Sherloc (09022015). Collection method: clinical testing. Allele origin: germline.

Eurofins Ntd Llc (ga)
Classification: Uncertain significance. Last evaluated: 2018-06-27. Review status: criteria provided, single submitter. Criteria: EGL ClinVar v180209 classification definitions. Collection method: clinical testing. Allele origin: germline. Observed: 1 variant allele, 1 heterozygote.

PreventionGenetics, part of Exact Sciences
Classification: Likely benign for GLI2-related condition. Last evaluated: 2019-04-29. Review status: no assertion criteria provided. Collection method: clinical testing. Allele origin: germline. Not counted in ClinVar's aggregate classification.
Comment: This variant is classified as likely benign based on ACMG/AMP sequence variant interpretation guidelines (Richards et al. 2015 PMID: 25741868, with internal and published modifications).